The following is an entry in ClinVar:

ClinVar aggregate classification (germline): Uncertain significance (1 of 4 stars; one submission).

Submission:

Labcorp Genetics (formerly Invitae), Labcorp
Classification: Uncertain significance. Last evaluated: 2022-07-27. Review status: criteria provided, single submitter. Criteria: Invitae Variant Classification Sherloc (09022015). Collection method: clinical testing. Allele origin: germline.
Comment: Experimental studies and prediction algorithms are not available or were not evaluated, and the functional significance of this variant is currently unknown. This variant has not been reported in the literature in individuals affected with SHANK1-related conditions. This variant is not present in population databases (gnomAD no frequency). This sequence change replaces glycine, which is neutral and non-polar, with serine, which is neutral and polar, at codon 1670 of the SHANK1 protein (p.Gly1670Ser). In summary, the available evidence is currently insufficient to determine the role of this variant in disease. Therefore, it has been classified as a Variant of Uncertain Significance.

NM_016148.5(SHANK1):c.5008G>A (p.Gly1670Ser)

Gene: SHANK1 (SH3 and multiple ankyrin repeat domains 1; minus strand). Cytogenetic location: 19q13.33.
Variant type: single nucleotide variant.
Coding change: c.5008G>A on transcript NM_016148.5 (MANE Select); coding-DNA position 5008, G replaced by A.
Protein change: p.Gly1670Ser; replaces glycine 1670 with serine.
Molecular consequence: missense variant.
Genome position (GRCh38, 1-based): chr19:50,666,952, C>T on the plus strand (G>A on the coding strand, the complement: SHANK1 is on the minus strand). VCF-style: chr19-50666952-C-T. GRCh37 (hg19) VCF-style: chr19-51170209-C-T.
Other names: short protein forms G1670S.
Identifiers: ClinVar variation 1984250 (VCV001984250.4), dbSNP rs868859667, ClinGen allele CA407012108.
Genomic context (GRCh38, chr19:50,666,952, plus strand): 5'-TCTCCAGTGGGTGGTCACTGCTGCTCCGACTGTCCACCTCCTCGATGCCAGAATCCGTGC[C>T]AGGCGGAGGGTCCGGGCCAGGCTGTGGGGCAGCGGGAGCCGGTGCTGCTGGGGCAGGCGG-3'
Protein context (NP_057232.2, residues 1660-1680): APQPGPDPPP[Gly1670Ser]TDSGIEEVDS